The following is an entry in ClinVar:

ClinVar aggregate classification (germline): Likely pathogenic (1 of 4 stars; one submission).

Conditions:
Holoprosencephaly 3 (HPE3). Identifiers: Orphanet 2162, MedGen C1840529, MONDO:0007733, OMIM 142945.

Submission:

Laboratory of Molecular Genetics, CHU Rennes
Classification: Likely pathogenic for Holoprosencephaly 3. Last evaluated: 2025-02-27. Review status: criteria provided, single submitter. Criteria: ACMG Guidelines, 2015. Collection method: clinical testing. Allele origin: paternal. Inheritance: Oligogenic inheritance. Affected: yes.
Comment: The NM_000193.4:c.521A>G, is a missense variant in SHH in the Hedgehog N-terminal domain (PM1), absent from controls (PM2), predicted pathogenic by prediction tools (PP3).

NM_000193.4(SHH):c.521A>G (p.Tyr174Cys)

Gene: SHH (sonic hedgehog signaling molecule; minus strand). Cytogenetic location: 7q36.3.
Variant type: single nucleotide variant.
Coding change: c.521A>G on transcript NM_000193.4 (MANE Select); coding-DNA position 521, A replaced by G.
Protein change: p.Tyr174Cys; replaces tyrosine 174 with cysteine.
Molecular consequence: missense variant. On other transcripts: non-coding transcript variant (2).
Genome position (GRCh38, 1-based): chr7:155,806,337, T>C on the plus strand (A>G on the coding strand, the complement: SHH is on the minus strand). VCF-style: chr7-155806337-T-C. GRCh37 (hg19) VCF-style: chr7-155599031-T-C.
Other names: c.260A>G, p.Tyr87Cys (NM_001310462.2); short protein forms Y174C, Y87C.
Identifiers: ClinVar variation 3775135 (VCV003775135.1).